The following is an entry in ClinVar:

ClinVar aggregate classification (germline): Uncertain significance (1 of 4 stars; one submission).

Submission:

Labcorp Genetics (formerly Invitae), Labcorp
Classification: Uncertain significance. Last evaluated: 2022-08-21. Review status: criteria provided, single submitter. Criteria: Invitae Variant Classification Sherloc (09022015). Collection method: clinical testing. Allele origin: germline.
Comment: This variant results in a copy number gain of the genomic region encompassing exon(s) 10-11 of the KLHL7 gene. This region includes the termination codon of the gene. This copy number gain extends beyond the assayed region for this gene and therefore may encompass additional genes. As the precise location of this event is unknown, it may be in tandem or it may be located elsewhere in the genome. This variant has not been reported in the literature in individuals affected with KLHL7-related conditions. In summary, the available evidence is currently insufficient to determine the role of this variant in disease. Therefore, it has been classified as a Variant of Uncertain Significance.

NC_000007.13:g.(?_23212547)_(23213917_?)dup

Gene: KLHL7 (kelch like family member 7; plus strand). Cytogenetic location: 7p15.3.
Variant type: Duplication.
Identifiers: ClinVar variation 2423502 (VCV002423502.4).